The following is an entry in ClinVar:

ClinVar aggregate classification (germline): Uncertain significance (1 of 4 stars; one submission).

Submission:

Labcorp Genetics (formerly Invitae), Labcorp
Classification: Uncertain significance. Last evaluated: 2022-04-07. Review status: criteria provided, single submitter. Criteria: Invitae Variant Classification Sherloc (09022015). Collection method: clinical testing. Allele origin: germline.
Comment: This sequence change creates a premature translational stop signal (p.Val17Trpfs*12) in the SC5D gene. It is expected to result in an absent or disrupted protein product. However, the current clinical and genetic evidence is not sufficient to establish whether loss-of-function variants in SC5D cause disease. This variant is not present in population databases (gnomAD no frequency). This variant has not been reported in the literature in individuals affected with SC5D-related conditions. In summary, the available evidence is currently insufficient to determine the role of this variant in disease. Therefore, it has been classified as a Variant of Uncertain Significance.

NM_006918.5(SC5D):c.48_49insTGGATGT (p.Val17fs)

Gene: SC5D (sterol-C5-desaturase; plus strand). Cytogenetic location: 11q24.1.
Variant type: Insertion.
Coding change: c.48_49insTGGATGT on transcript NM_006918.5 (MANE Select); coding-DNA positions 48 to 49, TGGATGT inserted.
Protein change: p.Val17fs; shifts the reading frame from valine 17.
Molecular consequence: frameshift variant.
Genome position: GRCh38 VCF-style: chr11-121303423-C-CTGGATGT. GRCh37 (hg19) VCF-style: chr11-121174132-C-CTGGATGT.
Other names: c.48_49insTGGATGT, p.Val17fs (NM_001024956.3); short protein forms V17fs.
Identifiers: ClinVar variation 2122710 (VCV002122710.4), dbSNP rs2497111677, ClinGen allele CA2580083709.
Genomic context (GRCh38, chr11:121,303,423, plus strand): 5'-TAGGGGCTAAGTGATGGATCTTGTACTCCGTGTTGCAGATTACTATTTTTTTACACCATA[C>CTGGATGT]GTGTATCCAGCCACATGGCCAGAAGATGACATCTTCCGACAAGCTATTAGTCTTCTGATT-3'